The following is an entry in ClinVar:

NM_003937.3(KYNU):c.256dup (p.Tyr86fs)

Gene: KYNU (kynureninase; plus strand). Cytogenetic location: 2q22.2.
Variant type: Duplication.
Coding change: c.256dup on transcript NM_003937.3 (MANE Select); coding-DNA position 256, one base duplicated (T; older notation c.256dupT).
Protein change: p.Tyr86fs; shifts the reading frame from tyrosine 86.
Molecular consequence: frameshift variant.
Genome position (GRCh38, 1-based): chr2:142,918,695, T duplicated. VCF-style (leftmost placement, unchanged base first): chr2-142918694-A-AT. GRCh37 (hg19) VCF-style: chr2-143676263-A-AT.
Other names: c.256dup, p.Tyr86fs (NM_001032998.2, NM_001199241.2); c.256dupT (NM_003937.2); short protein forms Y86fs.
Identifiers: ClinVar variation 1324639 (VCV001324639.8), dbSNP rs550079487, ClinGen allele CA1896602.

ClinVar aggregate classification (germline): Pathogenic/Likely pathogenic. Review status: criteria provided, multiple submitters, no conflicts (2 of 4 stars). 4 submissions from 4 submitters: Pathogenic (1); Likely pathogenic (2). 1 of the submissions does not count toward it. Last evaluated 2025-01-22.

Conditions:
KYNU-related disorder. Also called: KYNU-related condition; KYNU-related disorders.
Vertebral, cardiac, renal, and limb defects syndrome 2. Also called: KYNURENINASE DEFICIENCY, COMPLETE; CONGENITAL NAD DEFICIENCY DISORDER 2. Identifiers: MedGen C4540014, MONDO:0060555, OMIM 617661.

Allele frequency attached by ClinVar (database versions not stated): ExAC 0.00006; ESP Exome Variant Server 0.00008; gnomAD exomes 0.00008 and 0.00016; TOPMed 0.00009; gnomAD 0.00015 and 0.00017.

Submissions (4):

PreventionGenetics, part of Exact Sciences
Classification: Likely pathogenic for KYNU-related condition. Last evaluated: 2025-01-22. Review status: criteria provided, single submitter. Criteria: ACMG Guidelines, 2015. Collection method: clinical testing. Allele origin: germline.
Comment: The KYNU c.256dupT variant is predicted to result in a frameshift and premature protein termination (p.Tyr86Leufs*3). To our knowledge, this variant has not been reported in the literature. This variant is reported in 0.017% of alleles in individuals of European (Non-Finnish) descent in gnomAD. Frameshift variants in KYNU are expected to be pathogenic. This variant is interpreted as likely pathogenic.

Institute of Human Genetics, University of Leipzig Medical Center
Classification: Likely pathogenic for Vertebral, cardiac, renal, and limb defects syndrome 2. Last evaluated: 2023-08-29. Review status: criteria provided, single submitter. Criteria: ACMG Guidelines, 2015. Collection method: clinical testing. Allele origin: paternal. Inheritance: Autosomal recessive inheritance. Affected: yes.
Comment: Criteria applied: PVS1,PM2_SUP

Labcorp Genetics (formerly Invitae), Labcorp
Classification: Pathogenic. Last evaluated: 2022-06-30. Review status: criteria provided, single submitter. Criteria: Invitae Variant Classification Sherloc (09022015). Collection method: clinical testing. Allele origin: germline.
Comment: This sequence change creates a premature translational stop signal (p.Tyr86Leufs*3) in the KYNU gene. It is expected to result in an absent or disrupted protein product. Loss-of-function variants in KYNU are known to be pathogenic (PMID: 17334708, 28792876, 31923704, 34200361). This variant is present in population databases (rs550079487, gnomAD 0.02%). This variant has not been reported in the literature in individuals affected with KYNU-related conditions. ClinVar contains an entry for this variant (Variation ID: 1324639). For these reasons, this variant has been classified as Pathogenic.

OMIM
Classification: Pathogenic for VERTEBRAL, CARDIAC, RENAL, AND LIMB DEFECTS SYNDROME 2. Last evaluated: 2025-12-17. Review status: no assertion criteria provided. Collection method: literature only. Allele origin: germline. Not counted in ClinVar's aggregate classification.

Literature cited by the submitters: PubMed 17334708 (cited by Labcorp Genetics (formerly Invitae), Labcorp); PubMed 28792876 (cited by Labcorp Genetics (formerly Invitae), Labcorp); PubMed 31923704 (cited by Labcorp Genetics (formerly Invitae), Labcorp); PubMed 34200361 (cited by Labcorp Genetics (formerly Invitae), Labcorp); PubMed 40714656 (cited by OMIM).